The following is an entry in ClinVar:

NM_000245.4(MET):c.860G>T (p.Gly287Val)

Gene: MET (MET proto-oncogene, receptor tyrosine kinase; plus strand). Cytogenetic location: 7q31.2.
Variant type: single nucleotide variant.
Coding change: c.860G>T on transcript NM_000245.4 (MANE Select); coding-DNA position 860, G replaced by T.
Protein change: p.Gly287Val; replaces glycine 287 with valine.
Molecular consequence: missense variant. On other transcripts: intron variant (1).
Genome position (GRCh38, 1-based): chr7:116,699,944, G>T. VCF-style: chr7-116699944-G-T. GRCh37 (hg19) VCF-style: chr7-116339998-G-T.
Other names: c.860G>T, p.Gly287Val (NM_001127500.3, NM_001324401.3); c.-91+27367G>T (NM_001324402.2); short protein forms G287V.
Identifiers: ClinVar variation 3621865 (VCV003621865.3).

ClinVar aggregate classification (germline): Uncertain significance. Review status: criteria provided, multiple submitters, no conflicts (2 of 4 stars). 2 submissions from 2 submitters: Uncertain significance (2). Last evaluated 2025-12-29.

Conditions:
Renal cell carcinoma. Identifiers: Orphanet 217071, MedGen C0007134, MeSH D002292, MONDO:0005086, HP:0005584.

gnomAD v4.1: 1 of 1,613,992 alleles (0.000062%); highest among the groups gnomAD compares: Non-Finnish European, 0.000085%; no homozygotes.

Submissions (2):

Center for Genomic Medicine, Rigshospitalet, Copenhagen University Hospital
Classification: Uncertain significance. Last evaluated: 2025-12-29. Review status: criteria provided, single submitter. Criteria: ACMG Guidelines, 2015. Collection method: clinical testing. Allele origin: germline.

Labcorp Genetics (formerly Invitae), Labcorp
Classification: Uncertain significance for Renal cell carcinoma. Last evaluated: 2024-09-02. Review status: criteria provided, single submitter. Criteria: Invitae Variant Classification Sherloc (09022015). Collection method: clinical testing. Allele origin: germline.
Comment: This sequence change replaces glycine, which is neutral and non-polar, with valine, which is neutral and non-polar, at codon 287 of the MET protein (p.Gly287Val). This variant is not present in population databases (gnomAD no frequency). This variant has not been reported in the literature in individuals affected with MET-related conditions. Invitae Evidence Modeling of protein sequence and biophysical properties (such as structural, functional, and spatial information, amino acid conservation, physicochemical variation, residue mobility, and thermodynamic stability) indicates that this missense variant is not expected to disrupt MET protein function with a negative predictive value of 80%. In summary, the available evidence is currently insufficient to determine the role of this variant in disease. Therefore, it has been classified as a Variant of Uncertain Significance.